The following is an entry in ClinVar:

ClinVar aggregate classification (germline): Likely benign. Review status: criteria provided, multiple submitters, no conflicts (2 of 4 stars). 2 submissions from 2 submitters: Likely benign (2). Last evaluated 2026-02-13.

Conditions:
SERPINH1-related disorder. Also called: SERPINH1-related condition.

Allele frequency attached by ClinVar (database versions not stated): gnomAD exomes below 0.00001; 1000 Genomes Project 30x 0.00016; 1000 Genomes Project 0.00020.

Submissions (2):

PreventionGenetics, part of Exact Sciences
Classification: Likely benign for SERPINH1-related condition. Last evaluated: 2026-02-13. Review status: criteria provided, single submitter. Criteria: ACMG Guidelines, 2015. Collection method: clinical testing. Allele origin: germline.
Comment: This variant is classified as likely benign based on ACMG/AMP sequence variant interpretation guidelines (Richards et al. 2015 PMID: 25741868, with internal and published modifications).

Labcorp Genetics (formerly Invitae), Labcorp
Classification: Likely benign. Last evaluated: 2022-11-15. Review status: criteria provided, single submitter. Criteria: Invitae Variant Classification Sherloc (09022015). Collection method: clinical testing. Allele origin: germline.

NM_001235.5(SERPINH1):c.1176G>A (p.Val392=)

Gene: SERPINH1 (serpin family H member 1; plus strand). Cytogenetic location: 11q13.5.
Variant type: single nucleotide variant.
Coding change: c.1176G>A on transcript NM_001235.5 (MANE Select); coding-DNA position 1176, G replaced by A.
Protein change: p.Val392=; no amino-acid change (valine 392 retained).
Molecular consequence: synonymous variant.
Genome position (GRCh38, 1-based): chr11:75,572,002, G>A. VCF-style: chr11-75572002-G-A. GRCh37 (hg19) VCF-style: chr11-75283047-G-A.
Other names: c.1176G>A (NM_001235.3); c.1176G>A, p.Val392= (NM_001207014.3).
Identifiers: ClinVar variation 1983483 (VCV001983483.5), dbSNP rs201378927, ClinGen allele CA224662213.